The following is an entry in ClinVar:

NM_001134831.2(AHI1):c.706AAAAAG[1] (p.Lys238_Lys239del)

Gene: AHI1 (Abelson helper integration site 1; minus strand). Cytogenetic location: 6q23.3.
Variant type: Microsatellite.
Coding change: c.706AAAAAG[1] on transcript NM_001134831.2 (MANE Select); one copy of the 6-base unit AAAAAG starting at c.706; the reference has two copies in a row; one copy, 6 bases deleted.
Protein change: p.Lys238_Lys239del.
Molecular consequence: inframe deletion.
Genome position (GRCh38, 1-based): chr6:135,465,846-135,465,851, CTTTTT deleted on the plus strand (AAAAAG on the coding strand, the reverse complement: AHI1 is on the minus strand); deleting any 6 consecutive bases within chr6:135,465,846-135,465,858 gives the same sequence; the position shown is the placement nearest the transcript's 3' end. VCF-style (leftmost placement, unchanged base first): chr6-135465845-CCTTTTT-C. GRCh37 (hg19) VCF-style: chr6-135786983-CCTTTTT-C.
Other names: c.712_717del6 (NM_017651.4); c.706AAAAAG[1], p.Lys238_Lys239del (NM_001134830.2, NM_001134832.2, NM_001350503.2 and 2 more transcripts).
Identifiers: ClinVar variation 1416905 (VCV001416905.4), dbSNP rs778008442, ClinGen allele CA4012777.
Genomic context (GRCh38, chr6:135,465,845, plus strand): 5'-ATATTTTACATTTATCAATGCAAAAATACCTTGTTTCAGCTTTAGAGAAGACTGGAACTT[CCTTTTT>C]CTTTTTCCTTTTTTCACTGCTTAGTTTGTCATCATGGAATAAAGTATCTGAGGGAAAGTA-3'

ClinVar aggregate classification (germline): Uncertain significance. Review status: criteria provided, multiple submitters, no conflicts (2 of 4 stars). 3 submissions from 3 submitters: Uncertain significance (3). Last evaluated 2026-05-16.

Conditions:
Joubert syndrome. Also called: JOUBERT-BOLTSHAUSER SYNDROME; Familial aplasia of the vermis. Identifiers: Orphanet 475, MedGen C5979921, MONDO:0018772.
AHI1-related disorder. Also called: AHI1-related condition.
Joubert syndrome 3 (JBTS3). Also called: AHI1-related Ciliopathy. Identifiers: Orphanet 220493, MedGen C1837713, MONDO:0012078, OMIM 608629.

Submissions (3):

PreventionGenetics, part of Exact Sciences
Classification: Uncertain significance for AHI1-related condition. Last evaluated: 2026-05-16. Review status: criteria provided, single submitter. Criteria: ACMG Guidelines, 2015. Collection method: clinical testing. Allele origin: germline.
Comment: The AHI1 c.712_717del6 variant is predicted to result in an in-frame deletion (p.Lys238_Lys239del). To our knowledge, this variant has not been reported in the literature. This variant is reported in 0.0012% of alleles in individuals of European (Non-Finnish) descent in gnomAD. At this time, the clinical significance of this variant is uncertain due to the absence of conclusive functional and genetic evidence.

Myriad Genetics, Inc.
Classification: Uncertain significance for Joubert syndrome 3. Last evaluated: 2026-02-19. Review status: criteria provided, single submitter. Criteria: Myriad Autosomal Dominant, Autosomal Recessive and X-Linked Classification Criteria (2023). Collection method: clinical testing. Allele origin: unknown.
Comment: NM_001134831.1(AHI1):c.712_717del6(K238_K239del) is an in-frame deletion classified as a variant of uncertain significance in the context of Joubert syndrome, AHI1-related. K238_K239del has been observed in a case with relevant disease (PMID: 34695666). Relevant functional assessments of this variant are not available in the literature. K238_K239del has been observed in referenced population frequency databases. In summary, there is insufficient evidence to classify NM_001134831.1(AHI1):c.712_717del6(K238_K239del) as pathogenic or benign. Please note: this variant was assessed in the context of healthy population screening.

Labcorp Genetics (formerly Invitae), Labcorp
Classification: Uncertain significance for Joubert syndrome. Last evaluated: 2022-06-05. Review status: criteria provided, single submitter. Criteria: Invitae Variant Classification Sherloc (09022015). Collection method: clinical testing. Allele origin: germline.
Comment: This variant, c.712_717del, results in the deletion of 2 amino acid(s) of the AHI1 protein (p.Lys238_Lys239del), but otherwise preserves the integrity of the reading frame. This variant is present in population databases (rs778008442, gnomAD 0.005%). This variant has not been reported in the literature in individuals affected with AHI1-related conditions. Experimental studies and prediction algorithms are not available or were not evaluated, and the functional significance of this variant is currently unknown. In summary, the available evidence is currently insufficient to determine the role of this variant in disease. Therefore, it has been classified as a Variant of Uncertain Significance.

Literature cited by the submitters: PubMed 34695666 (cited by Myriad Genetics, Inc.).